The following is an entry in ClinVar:

ClinVar aggregate classification (germline): Uncertain significance (1 of 4 stars; one submission).

Conditions:
Developmental and epileptic encephalopathy, 11 (DEE11). Also called: Early infantile epileptic encephalopathy 11. Identifiers: Orphanet 1934, MedGen C3150987, MONDO:0013388, OMIM 613721.
Seizures, benign familial infantile, 3 (BFIS3). Also called: CONVULSIONS, BENIGN FAMILIAL INFANTILE, 3; Familial neonatal seizures. Identifiers: Orphanet 140927, Orphanet 306, MedGen C1843140, MONDO:0011904, OMIM 607745.

Allele frequency attached by ClinVar (database versions not stated): gnomAD exomes 0.00001.
gnomAD v4.1: 3 of 1,614,088 alleles (0.00019%); highest among the groups gnomAD compares: Non-Finnish European, 0.00025%; no homozygotes.

Submission:

Labcorp Genetics (formerly Invitae), Labcorp
Classification: Uncertain significance for Seizures, benign familial infantile, 3; Developmental and epileptic encephalopathy, 11. Last evaluated: 2017-06-27. Review status: criteria provided, single submitter. Criteria: Invitae Variant Classification Sherloc (09022015). Collection method: clinical testing. Allele origin: germline.
Comment: In summary, the available evidence is currently insufficient to determine the role of this variant in disease. Therefore, it has been classified as a Variant of Uncertain Significance. Algorithms developed to predict the effect of missense changes on protein structure and function do not agree on the potential impact of this missense change (SIFT: "Deleterious"; PolyPhen-2: "Benign"; Align-GVGD: "Class C0"). This variant has not been reported in the literature in individuals with SCN2A-related disease. This variant is not present in population databases (ExAC no frequency). This sequence change replaces alanine with threonine at codon 30 of the SCN2A protein (p.Ala30Thr). The alanine residue is highly conserved and there is a small physicochemical difference between alanine and threonine.

NM_001040142.2(SCN2A):c.88G>A (p.Ala30Thr)

Gene: SCN2A (sodium voltage-gated channel alpha subunit 2; plus strand). Cytogenetic location: 2q24.3.
Variant type: single nucleotide variant.
Coding change: c.88G>A on transcript NM_001040142.2 (MANE Select); coding-DNA position 88, G replaced by A.
Protein change: p.Ala30Thr; replaces alanine 30 with threonine.
Molecular consequence: missense variant.
Genome position (GRCh38, 1-based): chr2:165,295,911, G>A. VCF-style: chr2-165295911-G-A. GRCh37 (hg19) VCF-style: chr2-166152421-G-A.
Other names: c.88G>A, p.Ala30Thr (NM_001040143.2, NM_001371246.1, NM_001371247.1 and 1 more transcripts); short protein forms A30T.
Identifiers: ClinVar variation 574534 (VCV000574534.9), dbSNP rs1337092354, ClinGen allele CA349009913.